The following is an entry in ClinVar:

NM_004565.3(PEX14):c.48T>C (p.Thr16=)

Gene: PEX14 (peroxisomal biogenesis factor 14; plus strand). Cytogenetic location: 1p36.22.
Variant type: single nucleotide variant.
Coding change: c.48T>C on transcript NM_004565.3 (MANE Select); coding-DNA position 48, T replaced by C.
Protein change: p.Thr16=; no amino-acid change (threonine 16 retained).
Molecular consequence: synonymous variant.
Genome position (GRCh38, 1-based): chr1:10,495,285, T>C. VCF-style: chr1-10495285-T-C. GRCh37 (hg19) VCF-style: chr1-10555342-T-C.
Other names: c.48T>C (NM_004565.2).
Identifiers: ClinVar variation 594747 (VCV000594747.15), dbSNP rs779545665, ClinGen allele CA583685.

ClinVar aggregate classification (germline): Conflicting classifications of pathogenicity. Review status: criteria provided, conflicting classifications (1 of 4 stars). 4 submissions from 4 submitters: Uncertain significance (1); Likely benign (3). Last evaluated 2026-01-05.

Conditions:
Peroxisome biogenesis disorder, complementation group K (CGK). Identifiers: MedGen C1866257, MONDO:0800365.
PEX14-related disorder. Also called: PEX14-related condition.

Allele frequency attached by ClinVar (database versions not stated): ExAC 0.00002; TOPMed 0.00002.
gnomAD v4.1: 8 of 1,613,886 alleles (0.0005%); highest among the groups gnomAD compares: Admixed American, 0.012%; no homozygotes.

Submissions (4):

PreventionGenetics, part of Exact Sciences
Classification: Likely benign for PEX14-related condition. Last evaluated: 2026-01-05. Review status: criteria provided, single submitter. Criteria: ACMG Guidelines, 2015. Collection method: clinical testing. Allele origin: germline.
Comment: This variant is classified as likely benign based on ACMG/AMP sequence variant interpretation guidelines (Richards et al. 2015 PMID: 25741868, with internal and published modifications).

Labcorp Genetics (formerly Invitae), Labcorp
Classification: Likely benign for Peroxisome biogenesis disorder, complementation group K. Last evaluated: 2025-06-16. Review status: criteria provided, single submitter. Criteria: Invitae Variant Classification Sherloc (09022015). Collection method: clinical testing. Allele origin: germline.

Women's Health and Genetics/Laboratory Corporation of America, LabCorp
Classification: Likely benign. Last evaluated: 2023-08-31. Review status: criteria provided, single submitter. Criteria: LabCorp Variant Classification Summary - May 2015. Collection method: clinical testing. Allele origin: germline.

Eurofins Ntd Llc (ga)
Classification: Uncertain significance. Last evaluated: 2017-10-26. Review status: criteria provided, single submitter. Criteria: EGL Classification Definitions 2015. Collection method: clinical testing. Allele origin: germline. Observed: 1 variant allele, 1 heterozygote.